The following is an entry in ClinVar:

NM_004341.5(CAD):c.3266C>T (p.Pro1089Leu)

Gene: CAD (carbamoyl-phosphate synthetase 2, aspartate transcarbamylase, and dihydroorotase; plus strand). Cytogenetic location: 2p23.3.
Variant type: single nucleotide variant.
Coding change: c.3266C>T on transcript NM_004341.5 (MANE Select); coding-DNA position 3266, C replaced by T.
Protein change: p.Pro1089Leu; replaces proline 1089 with leucine.
Molecular consequence: missense variant.
Genome position (GRCh38, 1-based): chr2:27,233,675, C>T. VCF-style: chr2-27233675-C-T. GRCh37 (hg19) VCF-style: chr2-27456543-C-T.
Other names: c.3077C>T, p.Pro1026Leu (NM_001306079.2); short protein forms P1089L, P1026L.
Identifiers: ClinVar variation 1508391 (VCV001508391.8), dbSNP rs2148078765, ClinGen allele CA346215166.

ClinVar aggregate classification (germline): Uncertain significance (1 of 4 stars; one submission).

Submission:

Labcorp Genetics (formerly Invitae), Labcorp
Classification: Uncertain significance. Last evaluated: 2021-02-07. Review status: criteria provided, single submitter. Criteria: Invitae Variant Classification Sherloc (09022015). Collection method: clinical testing. Allele origin: germline.
Comment: This sequence change replaces proline with leucine at codon 1089 of the CAD protein (p.Pro1089Leu). The proline residue is highly conserved and there is a moderate physicochemical difference between proline and leucine. This variant is not present in population databases (ExAC no frequency). In summary, the available evidence is currently insufficient to determine the role of this variant in disease. Therefore, it has been classified as a Variant of Uncertain Significance. This variant has not been reported in the literature in individuals with CAD-related conditions. Algorithms developed to predict the effect of missense changes on protein structure and function (SIFT, PolyPhen-2, Align-GVGD) all suggest that this variant is likely to be disruptive, but these predictions have not been confirmed by published functional studies and their clinical significance is uncertain.